The following is an entry in ClinVar:

ClinVar aggregate classification (germline): Uncertain significance (1 of 4 stars; one submission).

Submission:

Labcorp Genetics (formerly Invitae), Labcorp
Classification: Uncertain significance. Last evaluated: 2025-10-27. Review status: criteria provided, single submitter. Criteria: Invitae Variant Classification Sherloc (09022015). Collection method: clinical testing. Allele origin: germline.
Comment: This sequence change replaces arginine, which is basic and polar, with proline, which is neutral and non-polar, at codon 527 of the CLTC protein (p.Arg527Pro). This variant is not present in population databases (gnomAD no frequency). This variant has not been reported in the literature in individuals affected with CLTC-related conditions. Invitae Evidence Modeling of protein sequence and biophysical properties (such as structural, functional, and spatial information, amino acid conservation, physicochemical variation, residue mobility, and thermodynamic stability) indicates that this missense variant is not expected to disrupt CLTC protein function with a negative predictive value of 80%. In summary, the available evidence is currently insufficient to determine the role of this variant in disease. Therefore, it has been classified as a Variant of Uncertain Significance.

NM_004859.4(CLTC):c.1568G>C (p.Arg523Pro)

Gene: CLTC (clathrin heavy chain; plus strand). Cytogenetic location: 17q23.1.
Variant type: single nucleotide variant.
Coding change: c.1568G>C on transcript NM_004859.4 (MANE Select); coding-DNA position 1568, G replaced by C.
Protein change: p.Arg523Pro; replaces arginine 523 with proline.
Molecular consequence: missense variant.
Genome position (GRCh38, 1-based): chr17:59,664,833, G>C. VCF-style: chr17-59664833-G-C. GRCh37 (hg19) VCF-style: chr17-57742194-G-C.
Other names: c.1580G>C, p.Arg527Pro (NM_001288653.2); short protein forms R527P, R523P.
Identifiers: ClinVar variation 4746679 (VCV004746679.1).